The following is an entry in ClinVar:

ClinVar aggregate classification (germline): Uncertain significance (1 of 4 stars; one submission).

Submission:

Ambry Genetics
Classification: Uncertain significance. Last evaluated: 2024-07-31. Review status: criteria provided, single submitter. Criteria: Ambry Variant Classification Scheme 2023. Collection method: clinical testing. Allele origin: germline.
Comment: The p.H1187Y variant (also known as c.3559C>T), located in coding exon 4 of the MLH3 gene, results from a C to T substitution at nucleotide position 3559. The histidine at codon 1187 is replaced by tyrosine, an amino acid with similar properties. This amino acid position is conserved. In addition, the in silico prediction for this alteration is inconclusive. Based on the available evidence, the clinical significance of this variant remains unclear.

NM_001040108.2(MLH3):c.3559C>T (p.His1187Tyr)

Gene: MLH3 (mutL homolog 3; minus strand). Cytogenetic location: 14q24.3.
Variant type: single nucleotide variant.
Coding change: c.3559C>T on transcript NM_001040108.2 (MANE Select); coding-DNA position 3559, C replaced by T.
Protein change: p.His1187Tyr; replaces histidine 1187 with tyrosine.
Molecular consequence: missense variant.
Genome position (GRCh38, 1-based): chr14:75,039,922, G>A on the plus strand (C>T on the coding strand, the complement: MLH3 is on the minus strand). VCF-style: chr14-75039922-G-A. GRCh37 (hg19) VCF-style: chr14-75506625-G-A.
Other names: c.3559C>T, p.His1187Tyr (NM_014381.3); short protein forms H1187Y.
Identifiers: ClinVar variation 3396674 (VCV003396674.1).